The following is an entry in ClinVar:

NM_001256789.3(CACNA1F):c.1042C>T (p.Pro348Ser)

Gene: CACNA1F (calcium voltage-gated channel subunit alpha1 F; minus strand). Cytogenetic location: Xp11.23.
Variant type: single nucleotide variant.
Coding change: c.1042C>T on transcript NM_001256789.3 (MANE Select); coding-DNA position 1042, C replaced by T.
Protein change: p.Pro348Ser; replaces proline 348 with serine.
Molecular consequence: missense variant.
Genome position (GRCh38, 1-based): chrX:49,228,112, G>A on the plus strand (C>T on the coding strand, the complement: CACNA1F is on the minus strand). VCF-style: chrX-49228112-G-A. GRCh37 (hg19) VCF-style: chrX-49084574-G-A.
Other names: c.847C>T, p.Pro283Ser (NM_001256790.3); c.1042C>T, p.Pro348Ser (NM_005183.4); short protein forms P348S, P283S.
Identifiers: ClinVar variation 426776 (VCV000426776.4), dbSNP rs1085307793, ClinGen allele CA412920065.

ClinVar aggregate classification (germline): Uncertain significance (1 of 4 stars; one submission).

Submission:

GeneDx
Classification: Uncertain significance. Last evaluated: 2020-08-17. Review status: criteria provided, single submitter. Criteria: GeneDx Variant Classification Process June 2021. Collection method: clinical testing. Allele origin: germline. Affected: yes.
Comment: Not observed in large population cohorts (Lek et al., 2016); In silico analysis supports that this missense variant has a deleterious effect on protein structure/function; Has not been previously published as pathogenic or benign to our knowledge